The following is an entry in ClinVar:

NM_000440.3(PDE6A):c.155C>T (p.Pro52Leu)

Gene: PDE6A (phosphodiesterase 6A; minus strand). Cytogenetic location: 5q32.
Variant type: single nucleotide variant.
Coding change: c.155C>T on transcript NM_000440.3 (MANE Select); coding-DNA position 155, C replaced by T.
Protein change: p.Pro52Leu; replaces proline 52 with leucine.
Molecular consequence: missense variant.
Genome position (GRCh38, 1-based): chr5:149,944,519, G>A on the plus strand (C>T on the coding strand, the complement: PDE6A is on the minus strand). VCF-style: chr5-149944519-G-A. GRCh37 (hg19) VCF-style: chr5-149324082-G-A.
Other names: short protein forms P52L.
Identifiers: ClinVar variation 1501533 (VCV001501533.8), dbSNP rs774005137, ClinGen allele CA3505132.
Genomic context (GRCh38, chr5:149,944,519, plus strand): 5'-AAATTCTCCTGAAAGTCCCGCAGGAGATCAAAGATGATTTCGCTCTCCTCCATGCTGCTC[G>A]GGGAGTGGTAGTTGCTGAAGTCCACGGCAGCCTCCTTGGCCCCAAGGAGGTCGGAGATGA-3'
Protein context (NP_000431.2, residues 42-62): AAVDFSNYHS[Pro52Leu]SSMEESEIIF

ClinVar aggregate classification (germline): Uncertain significance (1 of 4 stars; one submission).

gnomAD v4.1: 14 of 1,614,118 alleles (0.00087%); highest among the groups gnomAD compares: African/African-American, 0.004%; no homozygotes.

Submission:

Labcorp Genetics (formerly Invitae), Labcorp
Classification: Uncertain significance. Last evaluated: 2022-06-13. Review status: criteria provided, single submitter. Criteria: Invitae Variant Classification Sherloc (09022015). Collection method: clinical testing. Allele origin: germline.
Comment: In summary, the available evidence is currently insufficient to determine the role of this variant in disease. Therefore, it has been classified as a Variant of Uncertain Significance. Algorithms developed to predict the effect of missense changes on protein structure and function output the following: SIFT: "Tolerated"; PolyPhen-2: "Benign"; Align-GVGD: "Class C0". The leucine amino acid residue is found in multiple mammalian species, which suggests that this missense change does not adversely affect protein function. This variant has not been reported in the literature in individuals affected with PDE6A-related conditions. This variant is present in population databases (rs774005137, gnomAD 0.003%). This sequence change replaces proline, which is neutral and non-polar, with leucine, which is neutral and non-polar, at codon 52 of the PDE6A protein (p.Pro52Leu).